The following is an entry in ClinVar:

NM_000083.3(CLCN1):c.2203A>G (p.Thr735Ala)

Gene: CLCN1 (chloride voltage-gated channel 1; plus strand). Cytogenetic location: 7q34.
Variant type: single nucleotide variant.
Coding change: c.2203A>G on transcript NM_000083.3 (MANE Select); coding-DNA position 2203, A replaced by G.
Protein change: p.Thr735Ala; replaces threonine 735 with alanine.
Molecular consequence: missense variant. On other transcripts: non-coding transcript variant (1).
Genome position (GRCh38, 1-based): chr7:143,346,170, A>G. VCF-style: chr7-143346170-A-G. GRCh37 (hg19) VCF-style: chr7-143043263-A-G.
Other names: short protein forms T735A.
Identifiers: ClinVar variation 860802 (VCV000860802.9), dbSNP rs539404339, ClinGen allele CA369651129.

ClinVar aggregate classification (germline): Uncertain significance. Review status: criteria provided, multiple submitters, no conflicts (2 of 4 stars). 2 submissions from 2 submitters: Uncertain significance (2). Last evaluated 2019-02-01.

Conditions:
Congenital myotonia, autosomal dominant form (THD). Also called: THOMSEN DISEASE; Myotonia congenita autosomal dominant. Identifiers: Orphanet 614, MedGen C2936781, MONDO:0008055, OMIM 160800.
Congenital myotonia, autosomal recessive form. Also called: Becker Generalized Myotonia; myotonia congenita, autosomal recessive; BECKER DISEASE. Identifiers: Orphanet 614, MedGen C0751360, MONDO:0009715, OMIM 255700.

Allele frequency attached by ClinVar (database versions not stated): gnomAD exomes below 0.00001.
gnomAD v4.1: 3 of 1,612,528 alleles (0.00019%); highest among the groups gnomAD compares: Non-Finnish European, 0.00025%; no homozygotes.

Submissions (2):

Labcorp Genetics (formerly Invitae), Labcorp
Classification: Uncertain significance for Congenital myotonia, autosomal recessive form; Congenital myotonia, autosomal dominant form. Last evaluated: 2019-02-01. Review status: criteria provided, single submitter. Criteria: Invitae Variant Classification Sherloc (09022015). Collection method: clinical testing. Allele origin: germline.
Comment: This sequence change replaces threonine with alanine at codon 735 of the CLCN1 protein (p.Thr735Ala). The threonine residue is weakly conserved and there is a small physicochemical difference between threonine and alanine. In summary, the available evidence is currently insufficient to determine the role of this variant in disease. Therefore, it has been classified as a Variant of Uncertain Significance. Algorithms developed to predict the effect of missense changes on protein structure and function (SIFT, PolyPhen-2, Align-GVGD) all suggest that this variant is likely to be tolerated, but these predictions have not been confirmed by published functional studies and their clinical significance is uncertain. This variant has not been reported in the literature in individuals with CLCN1-related conditions. This variant is not present in population databases (ExAC no frequency).

Baylor Genetics
Classification: Uncertain significance for Congenital myotonia, autosomal dominant form. Last evaluated: 2018-02-13. Review status: criteria provided, single submitter. Criteria: ACMG Guidelines, 2015. Collection method: clinical testing. Allele origin: maternal. Affected: yes.
Comment: This variant was determined to be of uncertain significance according to ACMG Guidelines, 2015 [PMID:25741868].